The following is an entry in ClinVar:

ClinVar aggregate classification (germline): Pathogenic. Review status: criteria provided, multiple submitters, no conflicts (2 of 4 stars). 2 submissions from 2 submitters: Pathogenic (2). Last evaluated 2023-09-28.

Allele frequency attached by ClinVar (database versions not stated): TOPMed below 0.00001; gnomAD exomes 0.00001.
gnomAD v4.1: 14 of 1,613,780 alleles (0.00087%); highest among the groups gnomAD compares: Non-Finnish European, 0.0011%; no homozygotes.

Submissions (2):

Labcorp Genetics (formerly Invitae), Labcorp
Classification: Pathogenic. Last evaluated: 2023-09-28. Review status: criteria provided, single submitter. Criteria: Invitae Variant Classification Sherloc (09022015). Collection method: clinical testing. Allele origin: germline.
Comment: This sequence change creates a premature translational stop signal (p.Arg2286*) in the ADGRV1 gene. It is expected to result in an absent or disrupted protein product. Loss-of-function variants in ADGRV1 are known to be pathogenic (PMID: 19357117, 22135276, 22147658, 26226137, 30718709, 31047384, 32467589). This variant is not present in population databases (gnomAD no frequency). This premature translational stop signal has been observed in individual(s) with clinical features of Usher syndrome (PMID: 22135276). ClinVar contains an entry for this variant (Variation ID: 987001). For these reasons, this variant has been classified as Pathogenic.

Institute of Medical Genetics and Applied Genomics, University Hospital Tübingen
Classification: Pathogenic. Last evaluated: 2020-10-23. Review status: criteria provided, single submitter. Criteria: ACMG Guidelines, 2015. Collection method: clinical testing. Allele origin: germline. Inheritance: Autosomal unknown. Affected: yes.

Literature cited by the submitters: PubMed 19357117 (cited by Labcorp Genetics (formerly Invitae), Labcorp); PubMed 22135276 (cited by Labcorp Genetics (formerly Invitae), Labcorp); PubMed 22147658 (cited by Labcorp Genetics (formerly Invitae), Labcorp); PubMed 26226137 (cited by Labcorp Genetics (formerly Invitae), Labcorp); PubMed 30718709 (cited by Labcorp Genetics (formerly Invitae), Labcorp); PubMed 31047384 (cited by Labcorp Genetics (formerly Invitae), Labcorp); PubMed 32467589 (cited by Labcorp Genetics (formerly Invitae), Labcorp).

NM_032119.4(ADGRV1):c.6856C>T (p.Arg2286Ter)

Gene: ADGRV1 (adhesion G protein-coupled receptor V1; plus strand). Cytogenetic location: 5q14.3.
Variant type: single nucleotide variant.
Coding change: c.6856C>T on transcript NM_032119.4 (MANE Select); coding-DNA position 6856, C replaced by T.
Protein change: p.Arg2286Ter; replaces arginine 2286 with a stop codon.
Molecular consequence: nonsense. On other transcripts: non-coding transcript variant (1).
Genome position (GRCh38, 1-based): chr5:90,690,946, C>T. VCF-style: chr5-90690946-C-T. GRCh37 (hg19) VCF-style: chr5-89986763-C-T.
Other names: short protein forms R2286*.
Identifiers: ClinVar variation 987001 (VCV000987001.9), dbSNP rs1746388061, ClinGen allele CA360368365.